The following is an entry in ClinVar:

NM_001363118.2(SLC52A2):c.538A>C (p.Thr180Pro)

Gene: SLC52A2 (solute carrier family 52 member 2; plus strand). Cytogenetic location: 8q24.3.
Variant type: single nucleotide variant.
Coding change: c.538A>C on transcript NM_001363118.2 (MANE Select); coding-DNA position 538, A replaced by C.
Protein change: p.Thr180Pro; replaces threonine 180 with proline.
Molecular consequence: missense variant. On other transcripts: non-coding transcript variant (1), intron variant (1).
Genome position (GRCh38, 1-based): chr8:144,360,030, A>C. VCF-style: chr8-144360030-A-C. GRCh37 (hg19) VCF-style: chr8-145583690-A-C.
Other names: c.538A>C, p.Thr180Pro (NM_001253815.2, NM_001253816.2, NM_001363120.2 and 2 more transcripts); c.274A>C, p.Thr92Pro (NM_001410949.1); c.131-85A>C (NM_001363122.2); short protein forms T92P, T180P.
Identifiers: ClinVar variation 1747206 (VCV001747206.2), dbSNP rs1554854039, ClinGen allele CA372627361.

ClinVar aggregate classification (germline): Uncertain significance (1 of 4 stars; one submission).

Conditions:
Inborn genetic diseases. Identifiers: MedGen C0950123, MeSH D030342.

Submission:

Ambry Genetics
Classification: Uncertain significance for Inborn genetic diseases. Last evaluated: 2021-09-16. Review status: criteria provided, single submitter. Criteria: Ambry Variant Classification Scheme 2023. Collection method: clinical testing. Allele origin: germline.
Comment: The p.T180P variant (also known as c.538A>C), located in coding exon 2 of the SLC52A2 gene, results from an A to C substitution at nucleotide position 538. The threonine at codon 180 is replaced by proline, an amino acid with highly similar properties. This amino acid position is conserved. In addition, the in silico prediction for this alteration is inconclusive. Since supporting evidence is limited at this time, the clinical significance of this alteration remains unclear.